The following is an entry in ClinVar:

NM_001035.3(RYR2):c.505C>T (p.Arg169Ter)

Gene: RYR2 (ryanodine receptor 2; plus strand). Cytogenetic location: 1q43.
Variant type: single nucleotide variant.
Coding change: c.505C>T on transcript NM_001035.3 (MANE Select); coding-DNA position 505, C replaced by T.
Protein change: p.Arg169Ter; replaces arginine 169 with a stop codon.
Molecular consequence: nonsense.
Genome position (GRCh38, 1-based): chr1:237,377,364, C>T. VCF-style: chr1-237377364-C-T. GRCh37 (hg19) VCF-style: chr1-237540664-C-T.
Other names: c.505C>T, p.Arg169Ter (LRG_402t1); short protein forms R169*.
Identifiers: ClinVar variation 617902 (VCV000617902.8), dbSNP rs749930577, ClinGen allele CA086827.

ClinVar aggregate classification (germline): Uncertain significance. Review status: criteria provided, multiple submitters, no conflicts (2 of 4 stars). 4 submissions from 4 submitters: Uncertain significance (4). Last evaluated 2023-04-15.

Conditions:
Catecholaminergic polymorphic ventricular tachycardia 1. Also called: VENTRICULAR TACHYCARDIA, STRESS-INDUCED POLYMORPHIC 1; RYR2-Related Catecholaminergic Polymorphic Ventricular Tachycardia; VENTRICULAR TACHYCARDIA, CATECHOLAMINERGIC POLYMORPHIC, 1, WITH OR WITHOUT ATRIAL DYSFUNCTION AND/OR DILATED CARDIOMYOPATHY. Identifiers: Orphanet 3286, MedGen C1631597, MONDO:0011484, OMIM 604772.
Cardiomyopathy (CMYO). Also called: Cardiomyopathies. Identifiers: Orphanet 167848, MedGen C0878544, MONDO:0004994, HP:0001638. Inheritance: Various modes of inheritance.
Arrhythmogenic right ventricular dysplasia 2. Identifiers: MedGen C1832931.
Cardiovascular phenotype. Identifiers: MedGen CN230736.

Allele frequency attached by ClinVar (database versions not stated): gnomAD exomes below 0.00001; ExAC 0.00001; gnomAD 0.00001; TOPMed 0.00001.
gnomAD v4.1: 4 of 1,613,214 alleles (0.00025%); highest among the groups gnomAD compares: African/African-American, 0.0013%; no homozygotes.

Submissions (4):

Labcorp Genetics (formerly Invitae), Labcorp
Classification: Uncertain significance for Catecholaminergic polymorphic ventricular tachycardia 1. Last evaluated: 2023-04-15. Review status: criteria provided, single submitter. Criteria: Invitae Variant Classification Sherloc (09022015). Collection method: clinical testing. Allele origin: germline.
Comment: This variant has not been reported in the literature in individuals affected with RYR2-related conditions. ClinVar contains an entry for this variant (Variation ID: 617902). In summary, the available evidence is currently insufficient to determine the role of this variant in disease. Therefore, it has been classified as a Variant of Uncertain Significance. This variant is present in population databases (rs749930577, gnomAD 0.007%). This sequence change creates a premature translational stop signal (p.Arg169*) in the RYR2 gene. It is expected to result in an absent or disrupted protein product. However, the current clinical and genetic evidence is not sufficient to establish whether loss-of-function variants in RYR2 cause disease.

Ambry Genetics
Classification: Uncertain significance for Cardiovascular phenotype. Last evaluated: 2022-11-02. Review status: criteria provided, single submitter. Criteria: Ambry Variant Classification Scheme 2023. Collection method: clinical testing. Allele origin: germline.
Comment: The p.R169* variant (also known as c.505C>T), located in coding exon 8 of the RYR2 gene, results from a C to T substitution at nucleotide position 505. This changes the amino acid from an arginine to a stop codon within coding exon 8. This variant has been detected in an exome sequencing cohort not selected for the presence of cardiovascular disease; however details were limited (Thauvin-Robinet C et al. Eur J Hum Genet, 2019 08;27:1197-1214). This alteration is expected to result in protein truncation or nonsense-mediated mRNA decay. However, loss of function of RYR2 has not been established as a mechanism of disease. Since supporting evidence is limited at this time, the clinical significance of this alteration remains unclear.

Color Diagnostics, LLC DBA Color Health
Classification: Uncertain significance for Cardiomyopathy. Last evaluated: 2020-12-22. Review status: criteria provided, single submitter. Criteria: ACMG Guidelines, 2015. Collection method: clinical testing. Allele origin: germline.
Comment: This variant changes 1 nucleotide in exon 8 of the RYR2 gene, creating a premature translation stop signal. This variant is expected to result in an absent or non-functional protein product. To our knowledge, this variant has not been reported in individuals affected with cardiovascular disorders in the literature. This variant has been identified in 1/248902 chromosomes in the general population by the Genome Aggregation Database (gnomAD). Clinical relevance of loss-of-function truncation and splice variants in the RYR2 gene is not clearly established. The available evidence is insufficient to determine the role of this variant in disease conclusively. Therefore, this variant is classified as a Variant of Uncertain Significance.

Equipe Genetique des Anomalies du Developpement, Université de Bourgogne
Classification: Uncertain significance for Catecholaminergic polymorphic ventricular tachycardia 1. Last evaluated: 2018-11-21. Review status: criteria provided, single submitter. Criteria: ACMG Guidelines, 2015. Collection method: clinical testing. Allele origin: unknown.

Literature cited by the submitters: PubMed 30086531 (cited by Ambry Genetics); PubMed 31019283 (cited by Ambry Genetics).